The following is an entry in ClinVar:

NM_001367624.2(ZNF469):c.4976C>G (p.Pro1659Arg)

Gene: ZNF469 (zinc finger protein 469; plus strand). Cytogenetic location: 16q24.2.
Variant type: single nucleotide variant.
Coding change: c.4976C>G on transcript NM_001367624.2 (MANE Select); coding-DNA position 4976, C replaced by G.
Protein change: p.Pro1659Arg; replaces proline 1659 with arginine.
Molecular consequence: missense variant.
Genome position (GRCh38, 1-based): chr16:88,432,446, C>G. VCF-style: chr16-88432446-C-G. GRCh37 (hg19) VCF-style: chr16-88498854-C-G.
Other names: NM_001127464.1:c.4892C>G; short protein forms P1659R.
Identifiers: ClinVar variation 2237938 (VCV002237938.3), dbSNP rs762538480, ClinGen allele CA8225032.
Genomic context (GRCh38, chr16:88,432,446, plus strand): 5'-GTGCGGAATCGGCTGTGGCCACCGTGGAAGCGGTTCAGGGGAGGCCTGGGGGGACGTGGC[C>G]CTGCCCAGCCTCCTTCCATCCGGGACATGCAGCCCTTCTCCCCTGTGCCCAGGAAGACCT-3'
Protein context (NP_001354553.1, residues 1649-1669): AVQGRPGGTW[Pro1659Arg]CPASFHPGHA

ClinVar aggregate classification (germline): Uncertain significance (1 of 4 stars; one submission).

Conditions:
Cardiovascular phenotype. Identifiers: MedGen CN230736.

Allele frequency attached by ClinVar (database versions not stated): gnomAD 0.00003; gnomAD exomes below 0.00001; TOPMed 0.00004; ExAC 0.00006.
gnomAD v4.1: 10 of 1,550,174 alleles (0.00065%); highest among the groups gnomAD compares: African/African-American, 0.0082%; no homozygotes.

Submission:

Ambry Genetics
Classification: Uncertain significance for Cardiovascular phenotype. Last evaluated: 2025-04-23. Review status: criteria provided, single submitter. Criteria: Ambry Variant Classification Scheme 2023. Collection method: clinical testing. Allele origin: germline.
Comment: The p.P1631R variant (also known as c.4892C>G), located in coding exon 2 of the ZNF469 gene, results from a C to G substitution at nucleotide position 4892. The proline at codon 1631 is replaced by arginine, an amino acid with dissimilar properties. This amino acid position is conserved. In addition, this alteration is predicted to be tolerated by in silico analysis. Since supporting evidence is limited at this time, the clinical significance of this alteration remains unclear.